The following is an entry in ClinVar:

ClinVar aggregate classification (germline): Benign. Review status: criteria provided, multiple submitters, no conflicts (2 of 4 stars). 8 submissions from 8 submitters: Benign (6). 2 of the submissions do not count toward it. Last evaluated 2026-02-03.

Conditions:
Mitochondrial complex I deficiency, nuclear type 1. Also called: NADH-COENZYME Q REDUCTASE DEFICIENCY; MITOCHONDRIAL NADH DEHYDROGENASE COMPONENT OF COMPLEX I, DEFICIENCY OF. Identifiers: MedGen C6022305, MONDO:0100224, OMIM 252010.
Mitochondrial complex I deficiency, nuclear type 7. Also called: Mitochondrial complex 1 deficiency, nuclear type 7. Identifiers: MedGen C4748760, MONDO:0032612, OMIM 618229.

Allele frequency attached by ClinVar (database versions not stated): 1000 Genomes Project 0.07508; gnomAD exomes 0.08312 and 0.10352; ExAC 0.08497; gnomAD 0.10960 and 0.11303; TOPMed 0.11414; ESP Exome Variant Server 0.12981.
gnomAD v4.1: 167,720 of 1,613,072 alleles (10%); highest among the groups gnomAD compares: African/African-American, 16%; 9,749 homozygotes.

Submissions (8):

Labcorp Genetics (formerly Invitae), Labcorp
Classification: Benign. Last evaluated: 2026-02-03. Review status: criteria provided, single submitter. Criteria: Invitae Variant Classification Sherloc (09022015). Collection method: clinical testing. Allele origin: germline.

ARUP Laboratories, Molecular Genetics and Genomics, ARUP Laboratories
Classification: Benign for Mitochondrial complex I deficiency, nuclear type 7. Last evaluated: 2023-11-29. Review status: criteria provided, single submitter. Criteria: ARUP Molecular Germline Variant Investigation Process 2024. Collection method: clinical testing. Allele origin: germline.

Genome-Nilou Lab
Classification: Benign for Mitochondrial complex I deficiency, nuclear type 7. Last evaluated: 2021-09-05. Review status: criteria provided, single submitter. Criteria: ACMG Guidelines, 2015. Collection method: clinical testing. Allele origin: germline. Affected: no.

Illumina Laboratory Services, Illumina
Classification: Benign for Mitochondrial complex I deficiency, nuclear type 1. Last evaluated: 2018-01-13. Review status: criteria provided, single submitter. Criteria: ICSL Variant Classification Criteria 13 December 2019. Collection method: clinical testing. Allele origin: germline.
Comment: This variant was observed in the ICSL laboratory as part of a predisposition screen in an ostensibly healthy population. It had not been previously curated by ICSL or reported in the Human Gene Mutation Database (HGMD: prior to June 1st, 2018), and was therefore a candidate for classification through an automated scoring system. Utilizing variant allele frequency, disease prevalence and penetrance estimates, and inheritance mode, an automated score was calculated to assess if this variant is too frequent to cause the disease. Based on the score and internal cut-off values, a variant classified as benign is not then subjected to further curation. The score for this variant resulted in a classification of benign for this disease.

GeneDx
Classification: Benign. Last evaluated: 2015-03-03. Review status: criteria provided, single submitter. Criteria: GeneDx Variant Classification Process June 2021. Collection method: clinical testing. Allele origin: germline. Affected: yes.

Breakthrough Genomics
Classification: Benign. Review status: criteria provided, single submitter. Criteria: ACMG Guidelines, 2015. Collection method: not provided. Allele origin: germline. Inheritance: Autosomal recessive inheritance. Affected: yes.

Mayo Clinic Laboratories, Mayo Clinic
Classification: Benign. Last evaluated: 2016-02-22. Review status: no assertion criteria provided. Collection method: clinical testing. Allele origin: unknown. Not counted in ClinVar's aggregate classification.

Genetic Services Laboratory, University of Chicago
Classification: Likely benign for AllHighlyPenetrant. Review status: no assertion criteria provided. Collection method: clinical testing. Allele origin: germline. Inheritance: Autosomal recessive inheritance. Not counted in ClinVar's aggregate classification.
Comment: Likely benign based on allele frequency in 1000 Genomes Project or ESP global frequency and its presence in a patient with a rare or unrelated disease phenotype. NOT Sanger confirmed.

NM_021074.5(NDUFV2):c.201A>T (p.Val67=)

Gene: NDUFV2 (NADH:ubiquinone oxidoreductase core subunit V2; plus strand). Cytogenetic location: 18p11.22.
Variant type: single nucleotide variant.
Coding change: c.201A>T on transcript NM_021074.5 (MANE Select); coding-DNA position 201, A replaced by T.
Protein change: p.Val67=; no amino-acid change (valine 67 retained).
Molecular consequence: synonymous variant.
Genome position (GRCh38, 1-based): chr18:9,119,491, A>T. VCF-style: chr18-9119491-A-T. GRCh37 (hg19) VCF-style: chr18-9119489-A-T.
Identifiers: ClinVar variation 129703 (VCV000129703.34), dbSNP rs41274300, ClinGen allele CA153877.
Genomic context (GRCh38, chr18:9,119,491, plus strand): 5'-ATATTTTCTAGATGTATAAAATGATGTTCTTTCTTTTATACAGAGGATAGAGGCAATTGT[A>T]AAAAACTATCCAGAAGGCCATAAAGCAGCAGCTGTTCTTCCAGTCCTGGATTTAGCCCAA-3'
Protein context (NP_066552.2, residues 57-77): PENYKRIEAI[Val67=]KNYPEGHKAA